The following is an entry in ClinVar:

NM_004260.4(RECQL4):c.1303C>G (p.Pro435Ala)

Gene: RECQL4 (RecQ like helicase 4; minus strand). Cytogenetic location: 8q24.3.
Variant type: single nucleotide variant.
Coding change: c.1303C>G on transcript NM_004260.4 (MANE Select); coding-DNA position 1303, C replaced by G.
Protein change: p.Pro435Ala; replaces proline 435 with alanine.
Molecular consequence: missense variant. On other transcripts: 5 prime UTR variant (1), non-coding transcript variant (3).
Genome position (GRCh38, 1-based): chr8:144,515,413, G>C on the plus strand (C>G on the coding strand, the complement: RECQL4 is on the minus strand). VCF-style: chr8-144515413-G-C. GRCh37 (hg19) VCF-style: chr8-145740797-G-C.
Other names: c.1303C>G (NM_004260.3); c.1207C>G, p.Pro403Ala (NM_001413017.1, NM_001413020.1); c.1303C>G, p.Pro435Ala (NM_001413018.1, NM_001413019.1, NM_001413033.1 and 2 more transcripts); c.232C>G, p.Pro78Ala (NM_001413021.1, NM_001413022.1, NM_001413023.1 and 8 more transcripts); c.1174C>G, p.Pro392Ala (NM_001413025.1); c.166C>G, p.Pro56Ala (NM_001413027.1, NM_001413030.1, NM_001413031.1 and 2 more transcripts); c.952C>G, p.Pro318Ala (NM_001413029.1); c.-165C>G (NM_001413043.1); short protein forms P435A, P392A, P403A, P56A, P78A, P318A.
Identifiers: ClinVar variation 2901416 (VCV002901416.4), dbSNP rs769553486, ClinGen allele CA4948917.

ClinVar aggregate classification (germline): Uncertain significance. Review status: criteria provided, multiple submitters, no conflicts (2 of 4 stars). 2 submissions from 2 submitters: Uncertain significance (2). Last evaluated 2026-03-01.

Conditions:
Baller-Gerold syndrome (BGS). Also called: CRANIOSYNOSTOSIS WITH RADIAL DEFECTS. Identifiers: Orphanet 1225, MedGen C0265308, MONDO:0009039, OMIM 218600.
Inborn genetic diseases. Identifiers: MedGen C0950123, MeSH D030342.

Submissions (2):

Ambry Genetics
Classification: Uncertain significance for Inborn genetic diseases. Last evaluated: 2026-03-01. Review status: criteria provided, single submitter. Criteria: Ambry Variant Classification Scheme 2023. Collection method: clinical testing. Allele origin: germline.
Comment: The p.P435A variant (also known as c.1303C>G), located in coding exon 7 of the RECQL4 gene, results from a C to G substitution at nucleotide position 1303. The proline at codon 435 is replaced by alanine, an amino acid with highly similar properties. This amino acid position is conserved. In addition, this alteration is predicted to be tolerated by in silico analysis. Based on the available evidence, the clinical significance of this variant remains unclear.

Labcorp Genetics (formerly Invitae), Labcorp
Classification: Uncertain significance for Baller-Gerold syndrome. Last evaluated: 2022-11-25. Review status: criteria provided, single submitter. Criteria: Invitae Variant Classification Sherloc (09022015). Collection method: clinical testing. Allele origin: germline.
Comment: In summary, the available evidence is currently insufficient to determine the role of this variant in disease. Therefore, it has been classified as a Variant of Uncertain Significance. Advanced modeling of protein sequence and biophysical properties (such as structural, functional, and spatial information, amino acid conservation, physicochemical variation, residue mobility, and thermodynamic stability) performed at Invitae indicates that this missense variant is not expected to disrupt RECQL4 protein function. This variant has not been reported in the literature in individuals affected with RECQL4-related conditions. This variant is present in population databases (rs769553486, gnomAD 0.0009%). This sequence change replaces proline, which is neutral and non-polar, with alanine, which is neutral and non-polar, at codon 435 of the RECQL4 protein (p.Pro435Ala).